The following is an entry in ClinVar:

NM_020765.3(UBR4):c.1434C>T (p.Asn478=)

Gene: UBR4 (ubiquitin protein ligase E3 component n-recognin 4; minus strand). Cytogenetic location: 1p36.13.
Variant type: single nucleotide variant.
Coding change: c.1434C>T on transcript NM_020765.3 (MANE Select); coding-DNA position 1434, C replaced by T.
Protein change: p.Asn478=; no amino-acid change (asparagine 478 retained).
Molecular consequence: synonymous variant.
Genome position (GRCh38, 1-based): chr1:19,187,501, G>A on the plus strand (C>T on the coding strand, the complement: UBR4 is on the minus strand). VCF-style: chr1-19187501-G-A. GRCh37 (hg19) VCF-style: chr1-19513995-G-A.
Identifiers: ClinVar variation 4984668 (VCV004984668.1).
Genomic context (GRCh38, chr1:19,187,501, plus strand): 5'-CTTGTGAAGGGCCTCCACTTGTAGGTCTTGAAAGAGAGACGTTAGCAGTTTGATGGCATG[G>A]TTTGCCAATATTACTGAGAGTACCCCAAATCCCTGATGCCTACACAAAGAAAAAGGAAAA-3'
Protein context (NP_065816.2, residues 468-488): GFGVLSVILA[Asn478=]HAIKLLTSLF

ClinVar aggregate classification (germline): Likely benign (1 of 4 stars; one submission).

Conditions:
UBR4-related disorder. Also called: UBR4-related condition.

gnomAD v4.1: 283 of 1,613,816 alleles (0.018%); highest among the groups gnomAD compares: East Asian, 0.55%; 4 homozygotes.

Submission:

PreventionGenetics, part of Exact Sciences
Classification: Likely benign for UBR4-related condition. Last evaluated: 2025-02-27. Review status: criteria provided, single submitter. Criteria: ACMG Guidelines, 2015. Collection method: clinical testing. Allele origin: germline.
Comment: This variant is classified as likely benign based on ACMG/AMP sequence variant interpretation guidelines (Richards et al. 2015 PMID: 25741868, with internal and published modifications).